The following is an entry in ClinVar:

ClinVar aggregate classification (germline): Benign. Review status: criteria provided, multiple submitters, no conflicts (2 of 4 stars). 9 submissions from 6 submitters: Benign (9). Last evaluated 2025-06-04.

Conditions:
Ichthyosis, hystrix-like, with hearing loss. Also called: Hystrix-like ichthyosis with deafness. Identifiers: Orphanet 477, MedGen C1865234, MONDO:0011245.
Autosomal dominant nonsyndromic hearing loss 3A. Identifiers: Orphanet 90635, MedGen C2675750, MONDO:0011103, OMIM 601544.
Autosomal recessive nonsyndromic hearing loss 1A (DFNB1A). Also called: Deafness, autosomal recessive 1A; GJB2-Related Autosomal Recessive Nonsyndromic Hearing Loss; Connexin 26 deafness; Deafness nonsyndromic, Connexin 26 linked; Nonsyndromic Hearing Loss and Deafness, DFNB1; GJB6-Related DFNB 1 Nonsyndromic Hearing Loss and Deafness. Identifiers: Orphanet 90636, MedGen C2673759, MONDO:0009076, OMIM 220290.

Allele frequency attached by ClinVar (database versions not stated): 1000 Genomes Project 30x 0.68442; TOPMed 0.71416; gnomAD 0.73947 and 0.73662; 1000 Genomes Project 0.68670; gnomAD exomes 0.80725.

Submissions (9):

Labcorp Genetics (formerly Invitae), Labcorp
Classification: Benign. Last evaluated: 2025-06-04. Review status: criteria provided, single submitter. Criteria: Invitae Variant Classification Sherloc (09022015). Collection method: clinical testing. Allele origin: germline.

Pars Genome Lab
Classification: Benign for Autosomal recessive nonsyndromic hearing loss 1A. Last evaluated: 2021-07-01. Review status: criteria provided, single submitter. Criteria: ACMG Guidelines, 2015. Collection method: clinical testing. Allele origin: germline. Affected: no.

Pars Genome Lab
Classification: Benign for Autosomal dominant nonsyndromic hearing loss 3A. Last evaluated: 2021-07-01. Review status: criteria provided, single submitter. Criteria: ACMG Guidelines, 2015. Collection method: clinical testing. Allele origin: germline. Affected: no.

Illumina Laboratory Services, Illumina
Classification: Benign for Autosomal recessive nonsyndromic hearing loss 1A. Last evaluated: 2018-01-13. Review status: criteria provided, single submitter. Criteria: ICSL Variant Classification Criteria 13 December 2019. Collection method: clinical testing. Allele origin: germline.
Comment: This variant was observed in the ICSL laboratory as part of a predisposition screen in an ostensibly healthy population. It had not been previously curated by ICSL or reported in the Human Gene Mutation Database (HGMD: prior to June 1st, 2018), and was therefore a candidate for classification through an automated scoring system. Utilizing variant allele frequency, disease prevalence and penetrance estimates, and inheritance mode, an automated score was calculated to assess if this variant is too frequent to cause the disease. Based on the score and internal cut-off values, a variant classified as benign is not then subjected to further curation. The score for this variant resulted in a classification of benign for this disease.

Illumina Laboratory Services, Illumina
Classification: Benign for Autosomal dominant keratitis-ichthyosis-hearing loss syndrome. Last evaluated: 2018-01-13. Review status: criteria provided, single submitter. Criteria: ICSL Variant Classification Criteria 13 December 2019. Collection method: clinical testing. Allele origin: germline.
Comment: the same text as in the submission from Illumina Laboratory Services, Illumina above.

Illumina Laboratory Services, Illumina
Classification: Benign for Autosomal dominant nonsyndromic hearing loss 3A. Last evaluated: 2018-01-13. Review status: criteria provided, single submitter. Criteria: ICSL Variant Classification Criteria 13 December 2019. Collection method: clinical testing. Allele origin: germline.
Comment: the same text as in the submission from Illumina Laboratory Services, Illumina above.

GeneDx
Classification: Benign. Last evaluated: 2015-03-03. Review status: criteria provided, single submitter. Criteria: GeneDx Variant Classification Process June 2021. Collection method: clinical testing. Allele origin: germline. Affected: yes.
Comment: This variant is associated with the following publications: (PMID: 29318123)

Women's Health and Genetics/Laboratory Corporation of America, LabCorp
Classification: Benign for Autosomal Recessive Non-Syndromic Hearing Loss. Last evaluated: 2011-08-18. Review status: criteria provided, single submitter. Criteria: LabCorp Variant Classification Summary - May 2015. Collection method: curation. Allele origin: germline. Inheritance: autosomal unknown. Affected: yes.
ClinVar note: Converted during submission from benign to Benign.

Breakthrough Genomics
Classification: Benign. Review status: criteria provided, single submitter. Criteria: ACMG Guidelines, 2015. Collection method: not provided. Allele origin: germline. Inheritance: Autosomal recessive inheritance. Affected: yes.

Literature cited by the submitters: PubMed 15070423 (cited by Women's Health and Genetics/Laboratory Corporation of America, LabCorp).

NM_004004.6(GJB2):c.*84T>C

Gene: GJB2 (gap junction protein beta 2; minus strand). Cytogenetic location: 13q12.11.
Variant type: single nucleotide variant.
Coding change: c.*84T>C on transcript NM_004004.6 (MANE Select); 84 bases downstream of the stop codon, T replaced by C.
Molecular consequence: 3 prime UTR variant.
Genome position (GRCh38, 1-based): chr13:20,188,817, A>G on the plus strand (T>C on the coding strand, the complement: GJB2 is on the minus strand). VCF-style: chr13-20188817-A-G. GRCh37 (hg19) VCF-style: chr13-20762956-A-G.
Identifiers: ClinVar variation 36277 (VCV000036277.21), dbSNP rs3751385, ClinGen allele CA260408.